The following is an entry in ClinVar:

NM_000426.4(LAMA2):c.5446-344T>C

Gene: LAMA2 (laminin subunit alpha 2; plus strand). Cytogenetic location: 6q22.33.
Variant type: single nucleotide variant.
Coding change: c.5446-344T>C on transcript NM_000426.4 (MANE Select); 344 bases into the intron before coding-DNA position 5446, T replaced by C.
Molecular consequence: intron variant.
Genome position (GRCh38, 1-based): chr6:129,400,880, T>C. VCF-style: chr6-129400880-T-C. GRCh37 (hg19) VCF-style: chr6-129722025-T-C.
Other names: c.5446-344T>C (NM_001079823.2).
Identifiers: ClinVar variation 671754 (VCV000671754.1), dbSNP rs6930710, ClinGen allele CA15482567.

ClinVar aggregate classification (germline): Benign (1 of 4 stars; one submission).

Allele frequency attached by ClinVar (database versions not stated): gnomAD 0.50480 and 0.50539; TOPMed 0.51170; 1000 Genomes Project 30x 0.54216; 1000 Genomes Project 0.54293.
gnomAD v4.1: 76,818 of 152,116 alleles (50%); highest among the groups gnomAD compares: African/African-American, 62%; 19,920 homozygotes.

Submission:

GeneDx
Classification: Benign. Last evaluated: 2018-06-18. Review status: criteria provided, single submitter. Criteria: GeneDx Variant Classification (06012015). Collection method: clinical testing. Allele origin: germline. Affected: yes.
Comment: This variant is considered likely benign or benign based on one or more of the following criteria: it is a conservative change, it occurs at a poorly conserved position in the protein, it is predicted to be benign by multiple in silico algorithms, and/or has population frequency not consistent with disease.